The following is an entry in ClinVar:

ClinVar aggregate classification (germline): Uncertain significance (1 of 4 stars; one submission).

Submission:

GeneDx
Classification: Uncertain significance. Last evaluated: 2025-03-13. Review status: criteria provided, single submitter. Criteria: GeneDx Variant Classification Process June 2021. Collection method: clinical testing. Allele origin: germline. Affected: yes.
Comment: Not observed at significant frequency in large population cohorts (gnomAD); In silico analysis supports that this missense variant has a deleterious effect on protein structure/function; Has not been previously published as pathogenic or benign to our knowledge

NM_001394062.1(MACF1):c.19946A>G (p.Asp6649Gly)

Gene: MACF1 (microtubule actin crosslinking factor 1; plus strand). Cytogenetic location: 1p34.3.
Variant type: single nucleotide variant.
Coding change: c.19946A>G on transcript NM_001394062.1 (MANE Select); coding-DNA position 19946, A replaced by G.
Protein change: p.Asp6649Gly; replaces aspartic acid 6649 with glycine.
Molecular consequence: missense variant.
Genome position (GRCh38, 1-based): chr1:39,447,876, A>G. VCF-style: chr1-39447876-A-G. GRCh37 (hg19) VCF-style: chr1-39913548-A-G.
Other names: c.8024A>G, p.Asp2675Gly (NM_001397473.1); c.13769A>G, p.Asp4590Gly (NM_012090.5); short protein forms D2675G, D4590G, D6649G.
Identifiers: ClinVar variation 4083325 (VCV004083325.1).
Genomic context (GRCh38, chr1:39,447,876, plus strand): 5'-TGCAGTCTCGATGGGAGAAGGTTGTCCAGCGATCTATTGAAAGAGGGCGATCACTAGATG[A>G]TGCCAGGAAGCGGGCAAAACAAGTAAGTTGGGGAAGAAAGATACTAATTCACTGAAGAGT-3'
Protein context (NP_001380991.1, residues 6639-6659): RSIERGRSLD[Asp6649Gly]ARKRAKQFHE